The following is an entry in ClinVar:

ClinVar aggregate classification (germline): Uncertain significance (1 of 4 stars; one submission).

Allele frequency attached by ClinVar (database versions not stated): gnomAD exomes below 0.00001.
gnomAD v4.1: 1 of 1,614,104 alleles (0.000062%); highest among the groups gnomAD compares: South Asian, 0.0011%; no homozygotes.

Submission:

GeneDx
Classification: Uncertain significance. Last evaluated: 2021-05-27. Review status: criteria provided, single submitter. Criteria: GeneDx Variant Classification Process June 2021. Collection method: clinical testing. Allele origin: germline. Affected: yes.
Comment: Not observed at significant frequency in large population cohorts (Lek 2016); In silico analysis supports that this variant does not alter splicing; Has not been previously published as pathogenic or benign to our knowledge

NM_000136.3(FANCC):c.1362G>A (p.Leu454=)

Genes: AOPEP (aminopeptidase O (putative); plus strand), FANCC (FA complementation group C; minus strand). Cytogenetic location: 9q22.32.
Variant type: single nucleotide variant.
Coding change: c.1362G>A on transcript NM_000136.3 (MANE Select); coding-DNA position 1362, G replaced by A.
Protein change: p.Leu454=; no amino-acid change (leucine 454 retained).
Molecular consequence: synonymous variant.
Genome position (GRCh38, 1-based): chr9:95,107,237, C>T on the plus strand (G>A on the coding strand, the complement: FANCC is on the minus strand). VCF-style: chr9-95107237-C-T. GRCh37 (hg19) VCF-style: chr9-97869519-C-T.
Other names: c.1362G>A, p.Leu454= (NM_001243743.2).
Identifiers: ClinVar variation 1326734 (VCV001326734.2), dbSNP rs2134456336, ClinGen allele CA466092409.
Genomic context (GRCh38, chr9:95,107,237, plus strand): 5'-GCCCTGTCCTGCTACCGTCTGCAGGTCCTGGGCTGAGAGGCTGCTGCTTCTGGACATTGC[C>T]AGGAGGTGGCCCAGCACGGCCTTCACCTGGACCTGGGCAATAGTATTTCACAGGGGAGAG-3'
Protein context (NP_000127.2, residues 444-464): VQVKAVLGHL[Leu454=]AMSRSSSLSA